The following is an entry in ClinVar:

NM_000528.4(MAN2B1):c.1063A>C (p.Thr355Pro)

Gene: MAN2B1 (mannosidase alpha class 2B member 1; minus strand). Cytogenetic location: 19p13.13.
Variant type: single nucleotide variant.
Coding change: c.1063A>C on transcript NM_000528.4 (MANE Select); coding-DNA position 1063, A replaced by C.
Protein change: p.Thr355Pro; replaces threonine 355 with proline.
Molecular consequence: missense variant.
Genome position (GRCh38, 1-based): chr19:12,658,474, T>G on the plus strand (A>C on the coding strand, the complement: MAN2B1 is on the minus strand). VCF-style: chr19-12658474-T-G. GRCh37 (hg19) VCF-style: chr19-12769288-T-G.
Other names: c.1060A>C, p.Thr354Pro (NM_001173498.2); short protein forms T355P, T354P.
Identifiers: ClinVar variation 208282 (VCV000208282.3), dbSNP rs864621992, ClinGen allele CA351002.

ClinVar aggregate classification (germline): Likely pathogenic. Review status: criteria provided, multiple submitters, no conflicts (2 of 4 stars). 3 submissions from 3 submitters: Likely pathogenic (2). 1 of the submissions does not count toward it. Last evaluated 2025-12-16.

Conditions:
Deficiency of alpha-mannosidase (MANSA). Also called: LYSOSOMAL ALPHA-D-MANNOSIDASE DEFICIENCY; Alpha-Mannosidosis; Mannosidosis, alpha-, types I and II. Identifiers: Orphanet 61, MedGen C0024748, MONDO:0009561, OMIM 248500.

Allele frequency attached by ClinVar (database versions not stated): gnomAD exomes below 0.00001; TOPMed below 0.00001; gnomAD 0.00001.
gnomAD v4.1: 2 of 1,613,316 alleles (0.00012%); highest among the groups gnomAD compares: Non-Finnish European, 0.00017%; no homozygotes.

Submissions (3):

Myriad Genetics, Inc.
Classification: Likely pathogenic for Deficiency of alpha-mannosidase. Last evaluated: 2025-12-16. Review status: criteria provided, single submitter. Criteria: Myriad Autosomal Dominant, Autosomal Recessive and X-Linked Classification Criteria (2023). Collection method: clinical testing. Allele origin: unknown.
Comment: NM_000528.3(MAN2B1):c.1063A>C(T355P) is a missense variant classified as likely pathogenic in the context of alpha-mannosidosis. T355P has been observed in cases with relevant disease (PMID: 9915946, Rossi_2025_(article)). Relevant functional assessments of this variant are available in the literature (PMID: 15035660, 25762455). T355P has not been observed in referenced population frequency databases. In summary, NM_000528.3(MAN2B1):c.1063A>C(T355P) is a missense variant that has functional support for pathogenicity and has been observed more frequently in cases with the relevant disease than in healthy populations. Please note: this variant was assessed in the context of healthy population screening.

Fulgent Genetics
Classification: Likely pathogenic for Deficiency of alpha-mannosidase. Last evaluated: 2024-02-16. Review status: criteria provided, single submitter. Criteria: ACMG Guidelines, 2015. Collection method: clinical testing. Allele origin: germline.

ClinVar Staff, National Center for Biotechnology Information (NCBI)
Classification: Uncertain significance for Deficiency of alpha-mannosidase. Last evaluated: 2012-06-07. Review status: no assertion criteria provided. Collection method: literature only. Allele origin: germline. Affected: yes. Not counted in ClinVar's aggregate classification.

Literature cited by the submitters: PubMed 15035660 (cited by Myriad Genetics, Inc.); PubMed 25762455 (cited by Myriad Genetics, Inc.); PubMed 9915946 (cited by ClinVar Staff, National Center for Biotechnology Information (NCBI)).